The following is an entry in ClinVar:

NM_206937.2(LIG4):c.1510T>C (p.Ser504Pro)

Gene: LIG4 (DNA ligase 4; minus strand). Cytogenetic location: 13q33.3.
Variant type: single nucleotide variant.
Coding change: c.1510T>C on transcript NM_206937.2 (MANE Select); coding-DNA position 1510, T replaced by C.
Protein change: p.Ser504Pro; replaces serine 504 with proline.
Molecular consequence: missense variant.
Genome position (GRCh38, 1-based): chr13:108,209,759, A>G on the plus strand (T>C on the coding strand, the complement: LIG4 is on the minus strand). VCF-style: chr13-108209759-A-G. GRCh37 (hg19) VCF-style: chr13-108862107-A-G.
Other names: c.1510T>C, p.Ser504Pro (NM_001098268.2, NM_001352598.2, NM_001352599.2 and 6 more transcripts); c.1309T>C, p.Ser437Pro (NM_001330595.2); c.1546T>C, p.Ser516Pro (NM_001352604.2); short protein forms S437P, S504P, S516P.
Identifiers: ClinVar variation 4809814 (VCV004809814.1).

ClinVar aggregate classification (germline): Uncertain significance (1 of 4 stars; one submission).

Conditions:
DNA ligase IV deficiency. Identifiers: Orphanet 99812, MedGen C1847827, MONDO:0011686, OMIM 606593.

gnomAD v4.1: 5 of 1,614,128 alleles (0.00031%); highest among the groups gnomAD compares: Admixed American, 0.0017%; no homozygotes.

Submission:

Labcorp Genetics (formerly Invitae), Labcorp
Classification: Uncertain significance for DNA ligase IV deficiency. Last evaluated: 2025-12-01. Review status: criteria provided, single submitter. Criteria: Invitae Variant Classification Sherloc (09022015). Collection method: clinical testing. Allele origin: germline.
Comment: This sequence change replaces serine, which is neutral and polar, with proline, which is neutral and non-polar, at codon 504 of the LIG4 protein (p.Ser504Pro). This variant is not present in population databases (gnomAD no frequency). This missense change has been observed in individual(s) with clinical features of LIG4-related severe combined immunodeficiency (internal data). In at least one individual the data is consistent with being in trans (on the opposite chromosome) from a pathogenic variant. Invitae Evidence Modeling of protein sequence and biophysical properties (such as structural, functional, and spatial information, amino acid conservation, physicochemical variation, residue mobility, and thermodynamic stability) has been performed for this missense variant. However, the output from this modeling did not meet the statistical confidence thresholds required to predict the impact of this variant on LIG4 protein function. In summary, the available evidence is currently insufficient to determine the role of this variant in disease. Therefore, it has been classified as a Variant of Uncertain Significance.